The following is an entry in ClinVar:

NM_012199.5(AGO1):c.2132C>T (p.Thr711Ile)

Gene: AGO1 (argonaute RISC component 1; plus strand). Cytogenetic location: 1p34.3.
Variant type: single nucleotide variant.
Coding change: c.2132C>T on transcript NM_012199.5 (MANE Select); coding-DNA position 2132, C replaced by T.
Protein change: p.Thr711Ile; replaces threonine 711 with isoleucine.
Molecular consequence: missense variant.
Genome position (GRCh38, 1-based): chr1:35,917,696, C>T. VCF-style: chr1-35917696-C-T. GRCh37 (hg19) VCF-style: chr1-36383297-C-T.
Other names: c.2132C>T, p.Thr711Ile (NM_001317122.2); c.1907C>T, p.Thr636Ile (NM_001317123.2); short protein forms T636I, T711I.
Identifiers: ClinVar variation 2663715 (VCV002663715.1), dbSNP rs2523930416, ClinGen allele CA339361151.

ClinVar aggregate classification (germline): Uncertain significance (1 of 4 stars; one submission).

Submission:

GeneDx
Classification: Uncertain significance. Last evaluated: 2023-05-03. Review status: criteria provided, single submitter. Criteria: GeneDx Variant Classification Process June 2021. Collection method: clinical testing. Allele origin: germline. Affected: yes.
Comment: Not observed at significant frequency in large population cohorts (gnomAD); In silico analysis supports that this missense variant has a deleterious effect on protein structure/function; Has not been previously published as pathogenic or benign to our knowledge